The following is an entry in ClinVar:

ClinVar aggregate classification (germline): Uncertain significance. Review status: criteria provided, single submitter (1 of 4 stars). 2 submissions from 2 submitters: Uncertain significance (1). 1 of the submissions does not count toward it. Last evaluated 2024-10-15.

Conditions:
Maple syrup urine disease (MSUD). Identifiers: Orphanet 511, MedGen C0024776, MeSH D008375, MONDO:0009563. Disease mechanism: loss of function.
Maple syrup urine disease type 1B (MSUD1B). Also called: MSUD type IB; MSUD type 3 (formerly); MSUD due to deficiency of e1-beta subunit of branched-chain alpha-keto acid dehydrogenase complex. Identifiers: MedGen C2930990, MONDO:0023692, OMIM 620698.

Allele frequency attached by ClinVar (database versions not stated): gnomAD exomes below 0.00001 and 0.00001; TOPMed below 0.00001.
gnomAD v4.1: 3 of 1,613,894 alleles (0.00019%); highest among the groups gnomAD compares: Non-Finnish European, 0.00025%; no homozygotes.

Submissions (2):

Labcorp Genetics (formerly Invitae), Labcorp
Classification: Uncertain significance for Maple syrup urine disease. Last evaluated: 2024-10-15. Review status: criteria provided, single submitter. Criteria: Invitae Variant Classification Sherloc (09022015). Collection method: clinical testing. Allele origin: germline.
Comment: This sequence change replaces aspartic acid, which is acidic and polar, with asparagine, which is neutral and polar, at codon 378 of the BCKDHB protein (p.Asp378Asn). This variant is present in population databases (no rsID available, gnomAD 0.002%). This variant has not been reported in the literature in individuals affected with BCKDHB-related conditions. ClinVar contains an entry for this variant (Variation ID: 953083). Invitae Evidence Modeling of protein sequence and biophysical properties (such as structural, functional, and spatial information, amino acid conservation, physicochemical variation, residue mobility, and thermodynamic stability) indicates that this missense variant is not expected to disrupt BCKDHB protein function with a negative predictive value of 80%. In summary, the available evidence is currently insufficient to determine the role of this variant in disease. Therefore, it has been classified as a Variant of Uncertain Significance.

Natera, Inc.
Classification: Uncertain significance for Maple syrup urine disease type 1B. Last evaluated: 2020-09-16. Review status: no assertion criteria provided. Collection method: clinical testing. Allele origin: germline. Not counted in ClinVar's aggregate classification.

NM_183050.4(BCKDHB):c.1132G>A (p.Asp378Asn)

Gene: BCKDHB (branched chain keto acid dehydrogenase E1 subunit beta; plus strand). Cytogenetic location: 6q14.1.
Variant type: single nucleotide variant.
Coding change: c.1132G>A on transcript NM_183050.4 (MANE Select); coding-DNA position 1132, G replaced by A.
Protein change: p.Asp378Asn; replaces aspartic acid 378 with asparagine.
Molecular consequence: missense variant. On other transcripts: non-coding transcript variant (1).
Genome position (GRCh38, 1-based): chr6:80,343,757, G>A. VCF-style: chr6-80343757-G-A. GRCh37 (hg19) VCF-style: chr6-81053474-G-A.
Other names: c.1132G>A, p.Asp378Asn (NM_000056.5); c.922G>A, p.Asp308Asn (NM_001318975.1); short protein forms D378N, D308N.
Identifiers: ClinVar variation 953083 (VCV000953083.6), dbSNP rs970365846, ClinGen allele CA142303332.
Genomic context (GRCh38, chr6:80,343,757, plus strand): 5'-TCAAGAGTATGTGGTTATGACACACCATTTCCTCACATTTTTGAACCATTCTACATCCCA[G>A]ACAAATGGAAGTGTTATGATGCCCTTCGAAAAATGATCAACTATTGACCATATAGGTAGG-3'
Protein context (NP_898871.1, residues 368-388): PHIFEPFYIP[Asp378Asn]KWKCYDALRK